The following is an entry in ClinVar:

NM_001267550.2(TTN):c.96725G>A (p.Cys32242Tyr)

Genes: TTN (titin; minus strand), TTN-AS1 (TTN antisense RNA 1; plus strand), LOC126806421 (CDK7 strongly-dependent group 2 enhancer GRCh37_chr2:179407630-179408829; plus strand). Cytogenetic location: 2q31.2.
Variant type: single nucleotide variant.
Coding change: c.96725G>A on transcript NM_001267550.2 (MANE Select); coding-DNA position 96725, G replaced by A.
Protein change: p.Cys32242Tyr; replaces cysteine 32242 with tyrosine.
Molecular consequence: missense variant.
Genome position (GRCh38, 1-based): chr2:178,543,248, C>T on the plus strand (G>A on the coding strand, the complement: TTN is on the minus strand). VCF-style: chr2-178543248-C-T. GRCh37 (hg19) VCF-style: chr2-179407975-C-T.
Other names: c.91802G>A, p.Cys30601Tyr (NM_001256850.1); c.69530G>A, p.Cys23177Tyr (NM_003319.4); c.89021G>A, p.Cys29674Tyr (NM_133378.4); c.69905G>A, p.Cys23302Tyr (NM_133432.3); c.70106G>A, p.Cys23369Tyr (NM_133437.4); short protein forms C23177Y, C23302Y, C23369Y, C29674Y, C30601Y, C32242Y.
Identifiers: ClinVar variation 3343541 (VCV003343541.1).
Genomic context (GRCh38, chr2:178,543,248, plus strand): 5'-TGCTCTAGGACTGTGGGTTTTAAGGTGACAACCTTCATCCATCTCTCTGTGCCAGCTTTG[C>T]AGGCCTCGAGAACATATCCAGTGAGTCGGCTACCACCATCGTAGAGTGGTTTTTCCCAGG-3'
Protein context (NP_001254479.2, residues 32232-32252): SRLTGYVLEA[Cys32242Tyr]KAGTERWMKV

ClinVar aggregate classification (germline): Uncertain significance (1 of 4 stars; one submission).

gnomAD v4.1: 7 of 1,613,782 alleles (0.00043%); highest among the groups gnomAD compares: Non-Finnish European, 0.00059%; no homozygotes.

Submission:

GeneDx
Classification: Uncertain significance. Last evaluated: 2023-12-18. Review status: criteria provided, single submitter. Criteria: GeneDx Variant Classification Process June 2021. Collection method: clinical testing. Allele origin: germline. Affected: yes.
Comment: Not observed at significant frequency in large population cohorts (gnomAD); Missense variant in a gene in which most reported pathogenic variants are truncating/loss of function; Has not been previously published as pathogenic or benign to our knowledge